The following is an entry in ClinVar:

NM_000051.4(ATM):c.5588C>T (p.Ser1863Phe)

Gene: ATM (ATM serine/threonine kinase; plus strand). Cytogenetic location: 11q22.3.
Variant type: single nucleotide variant.
Coding change: c.5588C>T on transcript NM_000051.4 (MANE Select); coding-DNA position 5588, C replaced by T.
Protein change: p.Ser1863Phe; replaces serine 1863 with phenylalanine.
Molecular consequence: missense variant.
Genome position (GRCh38, 1-based): chr11:108,304,766, C>T. VCF-style: chr11-108304766-C-T. GRCh37 (hg19) VCF-style: chr11-108175493-C-T.
Other names: c.5588C>T, p.Ser1863Phe (NM_001351834.2); short protein forms S1863F.
Identifiers: ClinVar variation 3324791 (VCV003324791.1).

ClinVar aggregate classification (germline): Uncertain significance (1 of 4 stars; one submission).

Conditions:
Hereditary cancer-predisposing syndrome. Also called: Neoplastic Syndromes, Hereditary; Tumor predisposition; Hereditary neoplastic syndrome; Hereditary Cancer Syndrome. Identifiers: Orphanet 140162, MedGen C0027672, MeSH D009386, MONDO:0015356.

Submission:

Ambry Genetics
Classification: Uncertain significance for Hereditary cancer-predisposing syndrome. Last evaluated: 2024-04-05. Review status: criteria provided, single submitter. Criteria: Ambry Variant Classification Scheme 2023. Collection method: clinical testing. Allele origin: germline.
Comment: The p.S1863F variant (also known as c.5588C>T), located in coding exon 36 of the ATM gene, results from a C to T substitution at nucleotide position 5588. The serine at codon 1863 is replaced by phenylalanine, an amino acid with highly dissimilar properties. This amino acid position is highly conserved in available vertebrate species. In addition, this alteration is predicted to be deleterious by in silico analysis. Based on the available evidence, the clinical significance of this variant remains unclear.